The following is an entry in ClinVar:

NM_006493.4(CLN5):c.170A>G (p.Tyr57Cys)

Genes: CLN5 (CLN5 lysosomal BMP synthase; plus strand), LOC130009913 (ATAC-STARR-seq lymphoblastoid silent region 5414; plus strand). Cytogenetic location: 13q22.3.
Variant type: single nucleotide variant.
Coding change: c.170A>G on transcript NM_006493.4 (MANE Select); coding-DNA position 170, A replaced by G.
Protein change: p.Tyr57Cys; replaces tyrosine 57 with cysteine.
Molecular consequence: missense variant.
Genome position (GRCh38, 1-based): chr13:76,992,268, A>G. VCF-style: chr13-76992268-A-G. GRCh37 (hg19) VCF-style: chr13-77566403-A-G.
Other names: c.170A>G, p.Tyr57Cys (NM_001366624.2); short protein forms Y57C, Y106C.
Identifiers: ClinVar variation 2194272 (VCV002194272.2), dbSNP rs765252923, ClinGen allele CA7007142.

ClinVar aggregate classification (germline): Uncertain significance (1 of 4 stars; one submission).

Conditions:
Neuronal ceroid lipofuscinosis. Also called: Neuronal Ceroid Lipofuscinoses. Identifiers: Orphanet 216, Orphanet 79263, MedGen C0027877, MONDO:0016295. Disease mechanism: loss of function.

Allele frequency attached by ClinVar (database versions not stated): TOPMed below 0.00001; gnomAD exomes 0.00001; ExAC 0.00002.
gnomAD v4.1: 11 of 1,569,622 alleles (0.0007%); highest among the groups gnomAD compares: Middle Eastern, 0.023%; no homozygotes.

Submission:

Labcorp Genetics (formerly Invitae), Labcorp
Classification: Uncertain significance for Neuronal ceroid lipofuscinosis. Last evaluated: 2025-09-02. Review status: criteria provided, single submitter. Criteria: Invitae Variant Classification Sherloc (09022015). Collection method: clinical testing. Allele origin: germline.
Comment: This sequence change replaces tyrosine, which is neutral and polar, with cysteine, which is neutral and slightly polar, at codon 106 of the CLN5 protein (p.Tyr106Cys). The frequency data for this variant in the population databases is considered unreliable, as metrics indicate poor data quality at this position in the gnomAD database. This variant has not been reported in the literature in individuals affected with CLN5-related conditions. ClinVar contains an entry for this variant (Variation ID: 2194272). Invitae Evidence Modeling of protein sequence and biophysical properties (such as structural, functional, and spatial information, amino acid conservation, physicochemical variation, residue mobility, and thermodynamic stability) indicates that this missense variant is expected to disrupt CLN5 protein function with a positive predictive value of 80%. In summary, the available evidence is currently insufficient to determine the role of this variant in disease. Therefore, it has been classified as a Variant of Uncertain Significance.